The following is an entry in ClinVar:

ClinVar aggregate classification (germline): Uncertain significance. Review status: criteria provided, multiple submitters, no conflicts (2 of 4 stars). 2 submissions from 2 submitters: Uncertain significance (2). Last evaluated 2025-06-18.

Conditions:
Inborn genetic diseases. Identifiers: MedGen C0950123, MeSH D030342.

Allele frequency attached by ClinVar (database versions not stated): gnomAD exomes 0.00001; ExAC 0.00003; gnomAD 0.00008; TOPMed 0.00010; 1000 Genomes Project 0.00020; ESP Exome Variant Server 0.00023; 1000 Genomes Project 30x 0.00031.
gnomAD v4.1: 28 of 1,613,248 alleles (0.0017%); highest among the groups gnomAD compares: Admixed American, 0.022%; no homozygotes.

Submissions (2):

Ambry Genetics
Classification: Uncertain significance for Inborn genetic diseases. Last evaluated: 2025-06-18. Review status: criteria provided, single submitter. Criteria: Ambry Variant Classification Scheme 2023. Collection method: clinical testing. Allele origin: germline.

Labcorp Genetics (formerly Invitae), Labcorp
Classification: Uncertain significance. Last evaluated: 2022-06-30. Review status: criteria provided, single submitter. Criteria: Invitae Variant Classification Sherloc (09022015). Collection method: clinical testing. Allele origin: germline.
Comment: This sequence change replaces asparagine, which is neutral and polar, with serine, which is neutral and polar, at codon 209 of the ASPM protein (p.Asn209Ser). This variant is present in population databases (rs138426893, gnomAD 0.02%). This variant has not been reported in the literature in individuals affected with ASPM-related conditions. Algorithms developed to predict the effect of missense changes on protein structure and function output the following: SIFT: "Tolerated"; PolyPhen-2: "Benign"; Align-GVGD: "Class C0". The serine amino acid residue is found in multiple mammalian species, which suggests that this missense change does not adversely affect protein function. In summary, the available evidence is currently insufficient to determine the role of this variant in disease. Therefore, it has been classified as a Variant of Uncertain Significance.

NM_018136.5(ASPM):c.626A>G (p.Asn209Ser)

Gene: ASPM (assembly factor for spindle microtubules; minus strand). Cytogenetic location: 1q31.3.
Variant type: single nucleotide variant.
Coding change: c.626A>G on transcript NM_018136.5 (MANE Select); coding-DNA position 626, A replaced by G.
Protein change: p.Asn209Ser; replaces asparagine 209 with serine.
Molecular consequence: missense variant.
Genome position (GRCh38, 1-based): chr1:197,143,626, T>C on the plus strand (A>G on the coding strand, the complement: ASPM is on the minus strand). VCF-style: chr1-197143626-T-C. GRCh37 (hg19) VCF-style: chr1-197112756-T-C.
Other names: c.626A>G (NM_018136.4); c.626A>G, p.Asn209Ser (NM_001206846.2); short protein forms N209S.
Identifiers: ClinVar variation 1897116 (VCV001897116.3), dbSNP rs138426893, ClinGen allele CA1310835.
Genomic context (GRCh38, chr1:197,143,626, plus strand): 5'-TTGAAAGCAGGGCTAATAGGTGATATGGGTATTTTATTTTCTTCAAGTATTAAAGAATTG[T>C]TTTCTGTTGGGGGACCGCCTTCATTCATAGCCAAGTTTTCACAAGCTTGTAGTGGGCTCC-3'
Protein context (NP_060606.3, residues 199-219): AMNEGGPPTE[Asn209Ser]NSLILEENKI